The following is an entry in ClinVar:

NM_001042492.3(NF1):c.3417A>C (p.Ala1139=)

Gene: NF1 (neurofibromin 1; plus strand). Cytogenetic location: 17q11.2.
Variant type: single nucleotide variant.
Coding change: c.3417A>C on transcript NM_001042492.3 (MANE Select); coding-DNA position 3417, A replaced by C.
Protein change: p.Ala1139=; no amino-acid change (alanine 1139 retained).
Molecular consequence: synonymous variant.
Genome position (GRCh38, 1-based): chr17:31,232,802, A>C. VCF-style: chr17-31232802-A-C. GRCh37 (hg19) VCF-style: chr17-29559820-A-C.
Other names: c.3417A>C, p.Ala1139= (NM_000267.4).
Identifiers: ClinVar variation 220435 (VCV000220435.17), dbSNP rs864622524, ClinGen allele CA350191.

ClinVar aggregate classification (germline): Benign/Likely benign. Review status: criteria provided, multiple submitters, no conflicts (2 of 4 stars). 6 submissions from 6 submitters: Benign (1); Likely benign (5). Last evaluated 2026-05-20.

Conditions:
Hereditary cancer-predisposing syndrome. Also called: Tumor predisposition; Hereditary neoplastic syndrome; Neoplastic Syndromes, Hereditary; Hereditary Cancer Syndrome. Identifiers: Orphanet 140162, MedGen C0027672, MeSH D009386, MONDO:0015356.
Cardiovascular phenotype. Identifiers: MedGen CN230736.
Neurofibromatosis, type 1 (NF1). Also called: Neurofibromatosis, type I; NEUROFIBROMATOSIS, TYPE I, SOMATIC; VON RECKLINGHAUSEN DISEASE; Peripheral type neurofibromatosis. Identifiers: Orphanet 636, MedGen C0027831, MONDO:0018975, OMIM 162200. Disease mechanism: loss of function.

Allele frequency attached by ClinVar (database versions not stated): gnomAD exomes below 0.00001.
gnomAD v4.1: 3 of 1,614,192 alleles (0.00019%); highest among the groups gnomAD compares: Non-Finnish European, 0.00025%; no homozygotes.

Submissions (6):

Myriad Genetics, Inc.
Classification: Benign for Neurofibromatosis, type 1. Last evaluated: 2026-05-20. Review status: criteria provided, single submitter. Criteria: Myriad Autosomal Dominant, Autosomal Recessive and X-Linked Classification Criteria (2023). Collection method: clinical testing. Allele origin: unknown.
Comment: This variant is considered benign. This variant is a silent/synonymous amino acid change and it is not expected to impact splicing.

Quest Diagnostics Nichols Institute San Juan Capistrano
Classification: Likely benign. Last evaluated: 2025-10-31. Review status: criteria provided, single submitter. Criteria: Quest Diagnostics criteria. Collection method: clinical testing. Allele origin: unknown.

Labcorp Genetics (formerly Invitae), Labcorp
Classification: Likely benign for Neurofibromatosis, type 1. Last evaluated: 2025-08-24. Review status: criteria provided, single submitter. Criteria: Invitae Variant Classification Sherloc (09022015). Collection method: clinical testing. Allele origin: germline.

Genome-Nilou Lab
Classification: Likely benign for Neurofibromatosis, type 1. Last evaluated: 2022-03-15. Review status: criteria provided, single submitter. Criteria: ACMG Guidelines, 2015. Collection method: clinical testing. Allele origin: germline. Affected: no.

Sema4
Classification: Likely benign for Hereditary cancer-predisposing syndrome. Last evaluated: 2021-02-10. Review status: criteria provided, single submitter. Criteria: Sema4 Curation Guidelines. Collection method: curation. Allele origin: germline.

Ambry Genetics
Classification: Likely benign for Cardiovascular phenotype; Hereditary cancer-predisposing syndrome. Last evaluated: 2019-03-27. Review status: criteria provided, single submitter. Criteria: Ambry General Variant Classification Scheme_2022. Collection method: clinical testing. Allele origin: germline. Observed: 1 variant allele.